The following is an entry in ClinVar:

NM_203500.2(KEAP1):c.1408C>T (p.Arg470Cys)

Gene: KEAP1 (kelch like ECH associated protein 1; minus strand). Cytogenetic location: 19p13.2.
Variant type: single nucleotide variant.
Coding change: c.1408C>T on transcript NM_203500.2 (MANE Select); coding-DNA position 1408, C replaced by T.
Protein change: p.Arg470Cys; replaces arginine 470 with cysteine.
Molecular consequence: missense variant.
Genome position (GRCh38, 1-based): chr19:10,489,771, G>A on the plus strand (C>T on the coding strand, the complement: KEAP1 is on the minus strand). VCF-style: chr19-10489771-G-A. GRCh37 (hg19) VCF-style: chr19-10600447-G-A.
Other names: c.1408C>T, p.Arg470Cys (NM_012289.4); short protein forms R470C.
Identifiers: ClinVar variation 4530516 (VCV004530516.1).

ClinVar aggregate classification (somatic clinical impact): Tier II - Potential (1 of 4 stars; one submission).

Conditions:
Papillary thyroid carcinoma. Also called: Thyroid carcinoma, papillary, somatic; NONMEDULLARY THYROID CARCINOMA, PAPILLARY; Thyroid gland papillary carcinoma. Identifiers: Orphanet 146, MedGen C0238463, MeSH D000077273, MONDO:0005075, HP:0002895.

Submission:

Institute for Genomic Medicine (IGM) Clinical Laboratory, Nationwide Children's Hospital
Classification: Tier II - Potential for Papillary thyroid carcinoma. Assertion type: diagnostic. Clinical significance: supports diagnosis. Last evaluated: 2024-12-24. Review status: criteria provided, single submitter. Criteria: AMP/ASCO/CAP Guidelines, 2017. Collection method: clinical testing. Allele origin: somatic. Affected: yes.
Comment: Variant has Tier II (potential) clinical significance as a diagnostic inclusion criterion in thyroid gland papillary carcinoma, based on the following evidence: 1) Documented in one or more cancer databases (e.g., St. Jude Pecan, COSMIC, CIViC, OncoKB). 2) Diagnostic significance based on multiple small studies (Evidence Level C; PMIDs: 24138990, 29469959, 25417114, 31428048).

Literature cited by the submitters: PubMed 24138990; PubMed 29469959; PubMed 25417114; PubMed 31428048.